The following is an entry in ClinVar:

NM_006013.5(RPL10):c.92T>G (p.Ile31Ser)

Gene: RPL10 (ribosomal protein L10; plus strand). Cytogenetic location: Xq28.
Variant type: single nucleotide variant.
Coding change: c.92T>G on transcript NM_006013.5 (MANE Select); coding-DNA position 92, T replaced by G.
Protein change: p.Ile31Ser; replaces isoleucine 31 with serine.
Molecular consequence: missense variant. On other transcripts: intron variant (1).
Genome position (GRCh38, 1-based): chrX:154,399,496, T>G. VCF-style: chrX-154399496-T-G. GRCh37 (hg19) VCF-style: chrX-153627837-T-G.
Other names: c.92T>G, p.Ile31Ser (NM_001256577.2, NM_001303624.2, NM_001303625.1 and 1 more transcripts); c.82+100T>G (NM_001256580.2); short protein forms I31S.
Identifiers: ClinVar variation 5017579 (VCV005017579.1).

ClinVar aggregate classification (germline): Uncertain significance (1 of 4 stars; one submission).

Submission:

GeneDx
Classification: Uncertain significance. Last evaluated: 2026-04-04. Review status: criteria provided, single submitter. Criteria: GeneDx Variant Classification Process June 2021. Collection method: clinical testing. Allele origin: germline.
Comment: Not observed at significant frequency in large population cohorts (gnomAD); In silico analysis supports that this missense variant has a deleterious effect on protein structure/function; Has not been previously published as pathogenic or benign to our knowledge